The following is an entry in ClinVar:

NM_007289.4(MME):c.2195C>G (p.Ala732Gly)

Gene: MME (membrane metalloendopeptidase; plus strand). Cytogenetic location: 3q25.2.
Variant type: single nucleotide variant.
Coding change: c.2195C>G on transcript NM_007289.4 (MANE Select); coding-DNA position 2195, C replaced by G.
Protein change: p.Ala732Gly; replaces alanine 732 with glycine.
Molecular consequence: missense variant.
Genome position (GRCh38, 1-based): chr3:155,180,401, C>G. VCF-style: chr3-155180401-C-G. GRCh37 (hg19) VCF-style: chr3-154898190-C-G.
Other names: c.2195C>G, p.Ala732Gly (NM_000902.5, NM_001354642.2, NM_001354643.1 and 2 more transcripts); short protein forms A732G.
Identifiers: ClinVar variation 1498714 (VCV001498714.3), dbSNP rs769409181, ClinGen allele CA2675784.

ClinVar aggregate classification (germline): Uncertain significance (1 of 4 stars; one submission).

Allele frequency attached by ClinVar (database versions not stated): ExAC 0.00001; gnomAD exomes 0.00001.
gnomAD v4.1: 11 of 1,613,534 alleles (0.00068%); highest among the groups gnomAD compares: South Asian, 0.0055%; no homozygotes.

Submission:

Labcorp Genetics (formerly Invitae), Labcorp
Classification: Uncertain significance. Last evaluated: 2022-03-20. Review status: criteria provided, single submitter. Criteria: Invitae Variant Classification Sherloc (09022015). Collection method: clinical testing. Allele origin: germline.
Comment: This sequence change replaces alanine, which is neutral and non-polar, with glycine, which is neutral and non-polar, at codon 732 of the MME protein (p.Ala732Gly). This variant is present in population databases (rs769409181, gnomAD 0.003%). This variant has not been reported in the literature in individuals affected with MME-related conditions. Algorithms developed to predict the effect of missense changes on protein structure and function are either unavailable or do not agree on the potential impact of this missense change (SIFT: "Deleterious"; PolyPhen-2: "Possibly Damaging"; Align-GVGD: "Class C0"). In summary, the available evidence is currently insufficient to determine the role of this variant in disease. Therefore, it has been classified as a Variant of Uncertain Significance.